The following is an entry in ClinVar:

NM_014975.3(MAST1):c.1040G>A (p.Gly347Asp)

Gene: MAST1 (microtubule associated serine/threonine kinase 1; plus strand). Cytogenetic location: 19p13.13.
Variant type: single nucleotide variant.
Coding change: c.1040G>A on transcript NM_014975.3 (MANE Select); coding-DNA position 1040, G replaced by A.
Protein change: p.Gly347Asp; replaces glycine 347 with aspartic acid.
Molecular consequence: missense variant.
Genome position (GRCh38, 1-based): chr19:12,852,358, G>A. VCF-style: chr19-12852358-G-A. GRCh37 (hg19) VCF-style: chr19-12963172-G-A.
Other names: short protein forms G347D.
Identifiers: ClinVar variation 3372220 (VCV003372220.1).

ClinVar aggregate classification (germline): Uncertain significance (1 of 4 stars; one submission).

Submission:

GeneDx
Classification: Uncertain significance. Last evaluated: 2024-04-12. Review status: criteria provided, single submitter. Criteria: GeneDx Variant Classification Process June 2021. Collection method: clinical testing. Allele origin: germline. Affected: yes.
Comment: Not observed at significant frequency in large population cohorts (gnomAD); In silico analysis supports that this missense variant has a deleterious effect on protein structure/function; Has not been previously published as pathogenic or benign to our knowledge